The following is an entry in ClinVar:

NM_001017420.3(ESCO2):c.510dup (p.Ile171fs)

Gene: ESCO2 (establishment of sister chromatid cohesion N-acetyltransferase 2; plus strand). Cytogenetic location: 8p21.1.
Variant type: Duplication.
Coding change: c.510dup on transcript NM_001017420.3 (MANE Select); coding-DNA position 510, one base duplicated (G; older notation c.510dupG).
Protein change: p.Ile171fs; shifts the reading frame from isoleucine 171.
Molecular consequence: frameshift variant.
Genome position (GRCh38, 1-based): chr8:27,776,818, G duplicated. VCF-style (leftmost placement, unchanged base first): chr8-27776817-T-TG. GRCh37 (hg19) VCF-style: chr8-27634334-T-TG.
Other names: short protein forms I171fs.
Identifiers: ClinVar variation 2833184 (VCV002833184.3), dbSNP rs2486628069, ClinGen allele CA2579129285.

ClinVar aggregate classification (germline): Pathogenic (1 of 4 stars; one submission).

Submission:

Labcorp Genetics (formerly Invitae), Labcorp
Classification: Pathogenic. Last evaluated: 2023-07-16. Review status: criteria provided, single submitter. Criteria: Invitae Variant Classification Sherloc (09022015). Collection method: clinical testing. Allele origin: germline.
Comment: For these reasons, this variant has been classified as Pathogenic. This variant has not been reported in the literature in individuals affected with ESCO2-related conditions. This variant is not present in population databases (gnomAD no frequency). This sequence change creates a premature translational stop signal (p.Ile171Aspfs*3) in the ESCO2 gene. It is expected to result in an absent or disrupted protein product. Loss-of-function variants in ESCO2 are known to be pathogenic (PMID: 15821733, 16380922).

Literature cited by the submitters: PubMed 15821733; PubMed 16380922.